The following is an entry in ClinVar:

ClinVar aggregate classification (germline): Conflicting classifications of pathogenicity. Review status: criteria provided, conflicting classifications (1 of 4 stars). 4 submissions from 4 submitters: Uncertain significance (3); Likely benign (1). Last evaluated 2024-04-30.

Conditions:
Dilated cardiomyopathy 1G (CMD1G). Identifiers: Orphanet 154, MedGen C1858763, MONDO:0011400, OMIM 604145.
Myopathy, myofibrillar, 9, with early respiratory failure (MFM9). Also called: MYOPATHY, PROXIMAL, WITH EARLY RESPIRATORY MUSCLE INVOLVEMENT; Myopathy, distal, with early respiratory failure, autosomal dominant; Hereditary myopathy with early respiratory failure; EDSTROM MYOPATHY. Identifiers: Orphanet 178464, Orphanet 34521, MedGen C1863599, MONDO:0011362, OMIM 603689.
Early-onset myopathy with fatal cardiomyopathy (CMYO5). Also called: Salih Myopathy; CONGENITAL MYOPATHY 5 WITH CARDIOMYOPATHY. Identifiers: Orphanet 289377, MedGen C2673677, MONDO:0012714, OMIM 611705. Disease mechanism: loss of function.
Hypertrophic cardiomyopathy 9. Also called: Familial hypertrophic cardiomyopathy 9. Identifiers: MedGen C1861065, MONDO:0013412, OMIM 613765.
Autosomal recessive limb-girdle muscular dystrophy type 2J (LGMDR10). Also called: Limb-girdle muscular dystrophy, type 2J; MUSCULAR DYSTROPHY, LIMB-GIRDLE, AUTOSOMAL RECESSIVE 10. Identifiers: Orphanet 140922, MedGen C1837342, MONDO:0012127, OMIM 608807.
Tibial muscular dystrophy (TMD). Also called: Tibial muscular dystrophy, tardive; Udd Distal Myopathy – Tibial Muscular Dystrophy; UDD MYOPATHY. Identifiers: Orphanet 609, MedGen C1838244, MONDO:0010870, OMIM 600334.

Allele frequency attached by ClinVar (database versions not stated): TOPMed below 0.00001; gnomAD exomes 0.00003 and 0.00005; ExAC 0.00005; gnomAD 0.00005 and 0.00006.
gnomAD v4.1: 57 of 1,609,722 alleles (0.0035%); highest among the groups gnomAD compares: Non-Finnish European, 0.0035%; no homozygotes.

Submissions (4):

Blueprint Genetics
Classification: Likely benign. Last evaluated: 2024-04-30. Review status: criteria provided, single submitter. Criteria: ACMG Guidelines, 2015. Collection method: clinical testing. Allele origin: germline.

Fulgent Genetics
Classification: Uncertain significance for Tibial muscular dystrophy; Myopathy, myofibrillar, 9, with early respiratory failure; Dilated cardiomyopathy 1G; Autosomal recessive limb-girdle muscular dystrophy type 2J; Early-onset myopathy with fatal cardiomyopathy; Hypertrophic cardiomyopathy 9. Last evaluated: 2021-09-22. Review status: criteria provided, single submitter. Criteria: ACMG Guidelines, 2015. Collection method: clinical testing. Allele origin: unknown.

Women's Health and Genetics/Laboratory Corporation of America, LabCorp
Classification: Uncertain significance. Last evaluated: 2020-03-10. Review status: criteria provided, single submitter. Criteria: LabCorp Variant Classification Summary - May 2015. Collection method: clinical testing. Allele origin: germline.
Comment: Variant summary: TTN c.51028+6C>T alters a nucleotide located close to a canonical splice site and therefore could affect mRNA splicing, leading to a significantly altered protein sequence. 4/4 computational tools predict no significant impact on normal splicing. However, these predictions have yet to be confirmed by functional studies. The variant allele was found at a frequency of 4.9e-05 in 243808 control chromosomes. This frequency is not significantly higher than expected for a pathogenic variant in TTN causing Cardiomyopathy (4.9e-05 vs 0.00063), allowing no conclusion about variant significance. To our knowledge, no occurrence of c.51028+6C>T in individuals affected with Cardiomyopathy and no experimental evidence demonstrating its impact on protein function have been reported. One clinical diagnostic laboratory has submitted clinical-significance assessments for this variant to ClinVar after 2014 without evidence for independent evaluation. One laboratory classified the variant as uncertain significance. Based on the evidence outlined above, the variant was classified as uncertain significance.

CeGaT Center for Human Genetics Tuebingen
Classification: Uncertain significance. Last evaluated: 2017-01-01. Review status: criteria provided, single submitter. Criteria: CeGaT Center For Human Genetics Tuebingen Variant Classification Criteria Version 2. Collection method: clinical testing. Allele origin: germline. Affected: yes. Observed: 1 variant allele.

NM_001267550.2(TTN):c.58732+6C>T

Genes: TTN (titin; minus strand), TTN-AS1 (TTN antisense RNA 1; plus strand). Cytogenetic location: 2q31.2.
Variant type: single nucleotide variant.
Coding change: c.58732+6C>T on transcript NM_001267550.2 (MANE Select); 6 bases into the intron after coding-DNA position 58732, C replaced by T.
Molecular consequence: intron variant.
Genome position (GRCh38, 1-based): chr2:178,593,562, G>A on the plus strand (C>T on the coding strand, the complement: TTN is on the minus strand). VCF-style: chr2-178593562-G-A. GRCh37 (hg19) VCF-style: chr2-179458289-G-A.
Other names: c.31537+6C>T (NM_003319.4); c.32113+6C>T (NM_133437.4); c.31912+6C>T (NM_133432.3); c.51028+6C>T (NM_133378.4); c.53809+6C>T (NM_001256850.1).
Identifiers: ClinVar variation 808980 (VCV000808980.45), dbSNP rs778350235, ClinGen allele CA1992796.